The following is an entry in ClinVar:

NM_001142800.2(EYS):c.2555T>C (p.Leu852Pro)

Gene: EYS (EGF-like photoreceptor maintenance factor; minus strand). Cytogenetic location: 6q12.
Variant type: single nucleotide variant.
Coding change: c.2555T>C on transcript NM_001142800.2 (MANE Select); coding-DNA position 2555, T replaced by C.
Protein change: p.Leu852Pro; replaces leucine 852 with proline.
Molecular consequence: missense variant.
Genome position (GRCh38, 1-based): chr6:64,912,570, A>G on the plus strand (T>C on the coding strand, the complement: EYS is on the minus strand). VCF-style: chr6-64912570-A-G. GRCh37 (hg19) VCF-style: chr6-65622463-A-G.
Other names: p.L852P:CTT>CCT; c.2555T>C (FM209056.1); c.2555T>C, p.Leu852Pro (NM_001292009.2); short protein forms L852P.
Identifiers: ClinVar variation 93605 (VCV000093605.37), dbSNP rs9294631, ClinGen allele CA147123.
Genomic context (GRCh38, chr6:64,912,570, plus strand): 5'-GCGTCTACCAAAGCTAAGCATGTTGAGTTGTTTCTGCAAGGGTTATGAAGTAGGTCACAA[A>G]GGTTATAGCGTTGGTGGCAAAATTGTCCAGTATAAAGGGGTGGGCACAGACATACAAATT-3'
Protein context (NP_001136272.1, residues 842-862): TGQFCHQRYN[Leu852Pro]CDLLHNPCRN

ClinVar aggregate classification (germline): Benign. Review status: criteria provided, multiple submitters, no conflicts (2 of 4 stars). 14 submissions from 14 submitters: Benign (11). 3 of the submissions do not count toward it. Last evaluated 2026-02-04.

Conditions:
Retinal dystrophy. Also called: Inherited retinal dystrophy. Identifiers: Orphanet 71862, MedGen C0854723, MeSH D058499, MONDO:0019118, HP:0000556.
Retinitis pigmentosa (RP). Identifiers: Orphanet 791, MedGen C0035334, MeSH D012174, MONDO:0019200, OMIM 268000. Inheritance: Autosomal dominant, autosomal recessive and X linked inheritance.
Retinitis pigmentosa 25 (RP25). Identifiers: Orphanet 791, MedGen C1864446, MONDO:0011272, OMIM 602772.

Allele frequency attached by ClinVar (database versions not stated): gnomAD exomes 0.58423 and 0.59297; ExAC 0.61068; gnomAD 0.67363 and 0.66464; TOPMed 0.67484; 1000 Genomes Project 30x 0.65240; 1000 Genomes Project 0.64637; ESP Exome Variant Server 0.66710.
gnomAD v4.1: 919,250 of 1,550,694 alleles (59%); highest among the groups gnomAD compares: African/African-American, 88%; 276,892 homozygotes.

Submissions (14):

Labcorp Genetics (formerly Invitae), Labcorp
Classification: Benign. Last evaluated: 2026-02-04. Review status: criteria provided, single submitter. Criteria: Invitae Variant Classification Sherloc (09022015). Collection method: clinical testing. Allele origin: germline.

Blueprint Genetics
Classification: Benign. Last evaluated: 2024-11-27. Review status: criteria provided, single submitter. Criteria: ACMG Guidelines, 2015. Collection method: clinical testing. Allele origin: germline.

ARUP Laboratories, Molecular Genetics and Genomics, ARUP Laboratories
Classification: Benign for Retinitis pigmentosa 25. Last evaluated: 2023-11-29. Review status: criteria provided, single submitter. Criteria: ARUP Molecular Germline Variant Investigation Process 2024. Collection method: clinical testing. Allele origin: germline.

Dept Of Ophthalmology, Nagoya University
Classification: Benign for Retinal dystrophy. Last evaluated: 2023-10-01. Review status: criteria provided, single submitter. Criteria: Submitter's publication. Collection method: research. Allele origin: germline. Affected: yes.

Women's Health and Genetics/Laboratory Corporation of America, LabCorp
Classification: Benign. Last evaluated: 2023-04-17. Review status: criteria provided, single submitter. Criteria: LabCorp Variant Classification Summary - May 2015. Collection method: clinical testing. Allele origin: germline.

Genome-Nilou Lab
Classification: Benign for Retinitis pigmentosa 25. Last evaluated: 2021-07-01. Review status: criteria provided, single submitter. Criteria: ACMG Guidelines, 2015. Collection method: clinical testing. Allele origin: germline. Affected: no.

Mendelics
Classification: Benign for Retinitis pigmentosa 25. Last evaluated: 2019-05-28. Review status: criteria provided, single submitter. Criteria: Mendelics Assertion Criteria 2017. Collection method: clinical testing. Allele origin: unknown.

Illumina Laboratory Services, Illumina
Classification: Benign for Retinitis pigmentosa. Last evaluated: 2018-01-13. Review status: criteria provided, single submitter. Criteria: ICSL Variant Classification Criteria 13 December 2019. Collection method: clinical testing. Allele origin: germline.
Comment: This variant was observed in the ICSL laboratory as part of a predisposition screen in an ostensibly healthy population. It had not been previously curated by ICSL or reported in the Human Gene Mutation Database (HGMD: prior to June 1st, 2018), and was therefore a candidate for classification through an automated scoring system. Utilizing variant allele frequency, disease prevalence and penetrance estimates, and inheritance mode, an automated score was calculated to assess if this variant is too frequent to cause the disease. Based on the score and internal cut-off values, a variant classified as benign is not then subjected to further curation. The score for this variant resulted in a classification of benign for this disease.

Clinical Genetics DNA and cytogenetics Diagnostics Lab, Erasmus MC, Erasmus Medical Center
Classification: Benign for Retinitis pigmentosa 25. Last evaluated: 2015-03-04. Review status: criteria provided, single submitter. Criteria: ACGS Guidelines, 2013. Collection method: clinical testing. Allele origin: germline. Affected: yes. Study: VKGL Data-share Consensus.

Eurofins Ntd Llc (ga)
Classification: Benign. Last evaluated: 2013-09-19. Review status: criteria provided, single submitter. Criteria: EGL Classification Definitions 2015. Collection method: clinical testing. Allele origin: germline. Observed: 3 variant alleles, 2 heterozygotes, 1 homozygote.

GeneDx
Classification: Benign. Last evaluated: 2011-07-05. Review status: criteria provided, single submitter. Criteria: GeneDx Variant Classification (06012015). Collection method: clinical testing. Allele origin: germline.
Comment: The variant is found in ARRP panel(s).

Natera, Inc.
Classification: Benign for Retinitis pigmentosa. Last evaluated: 2020-09-16. Review status: no assertion criteria provided. Collection method: clinical testing. Allele origin: germline. Not counted in ClinVar's aggregate classification.

Diagnostic Laboratory, Department of Genetics, University Medical Center Groningen
Classification: Benign for Retinitis pigmentosa 25. Review status: no assertion criteria provided. Collection method: clinical testing. Allele origin: germline. Affected: yes. Study: VKGL Data-share Consensus. Not counted in ClinVar's aggregate classification.

Joint Genome Diagnostic Labs from Nijmegen and Maastricht, Radboudumc and MUMC+
Classification: Benign. Review status: no assertion criteria provided. Collection method: clinical testing. Allele origin: germline. Affected: yes. Study: VKGL Data-share Consensus. Not counted in ClinVar's aggregate classification.